The following is an entry in ClinVar:

ClinVar aggregate classification (germline): Benign. Review status: criteria provided, multiple submitters, no conflicts (2 of 4 stars). 8 submissions from 7 submitters: Benign (8). Last evaluated 2026-02-04.

Conditions:
Epilepsy, familial focal, with variable foci 4 (FFEVF4). Identifiers: MedGen C4693694, MONDO:0054776, OMIM 617935.
Developmental and epileptic encephalopathy, 62. Also called: Early infantile epileptic encephalopathy 62. Identifiers: MedGen C4693699, MONDO:0033371, OMIM 617938.

Allele frequency attached by ClinVar (database versions not stated): gnomAD 0.16330; 1000 Genomes Project 0.18171; ESP Exome Variant Server 0.16292; 1000 Genomes Project 30x 0.17801; TOPMed 0.16284.
gnomAD v4.1: 322,741 of 1,592,554 alleles (20%); highest among the groups gnomAD compares: South Asian, 26%; 34,042 homozygotes.

Submissions (8):

Labcorp Genetics (formerly Invitae), Labcorp
Classification: Benign. Last evaluated: 2026-02-04. Review status: criteria provided, single submitter. Criteria: Invitae Variant Classification Sherloc (09022015). Collection method: clinical testing. Allele origin: germline.

Unidad de Genómica Garrahan, Hospital de Pediatría Garrahan
Classification: Benign. Last evaluated: 2024-07-15. Review status: criteria provided, single submitter. Criteria: ACMG Guidelines, 2015. Collection method: clinical testing. Allele origin: germline. Affected: no. Observed: 33 variant alleles.
Comment: This variant is classified as Benign based on local population frequency. This variant was detected in 35% of patients studied in a panel designed for Epileptic and Developmental Encephalopathy and Progressive Myoclonus Epilepsy. Number of patients: 33. Only high quality variants are reported.

Mayo Clinic Laboratories, Mayo Clinic
Classification: Benign. Last evaluated: 2021-11-29. Review status: criteria provided, single submitter. Criteria: ACMG Guidelines, 2015. Collection method: clinical testing. Allele origin: germline. Observed: 80 variant alleles.

Genome-Nilou Lab
Classification: Benign for Developmental and epileptic encephalopathy, 62. Last evaluated: 2021-07-15. Review status: criteria provided, single submitter. Criteria: ACMG Guidelines, 2015. Collection method: clinical testing. Allele origin: germline. Affected: no.

Genome-Nilou Lab
Classification: Benign for Epilepsy, familial focal, with variable foci 4. Last evaluated: 2021-07-15. Review status: criteria provided, single submitter. Criteria: ACMG Guidelines, 2015. Collection method: clinical testing. Allele origin: germline. Affected: no.

GeneDx
Classification: Benign. Last evaluated: 2021-05-05. Review status: criteria provided, single submitter. Criteria: GeneDx Variant Classification Process June 2021. Collection method: clinical testing. Allele origin: germline. Affected: yes.

Eurofins Ntd Llc (ga)
Classification: Benign. Last evaluated: 2014-03-18. Review status: criteria provided, single submitter. Criteria: EGL Classification Definitions 2015. Collection method: clinical testing. Allele origin: germline. Observed: 2 variant alleles, 1 heterozygote, 1 homozygote.

Breakthrough Genomics
Classification: Benign. Review status: criteria provided, single submitter. Criteria: ACMG Guidelines, 2015. Collection method: not provided. Allele origin: germline. Inheritance: Autosomal dominant inheritance. Affected: yes.

NM_006922.4(SCN3A):c.2547A>C (p.Val849=)

Gene: SCN3A (sodium voltage-gated channel alpha subunit 3; minus strand). Cytogenetic location: 2q24.3.
Variant type: single nucleotide variant.
Coding change: c.2547A>C on transcript NM_006922.4 (MANE Select); coding-DNA position 2547, A replaced by C.
Protein change: p.Val849=; no amino-acid change (valine 849 retained).
Molecular consequence: synonymous variant.
Genome position (GRCh38, 1-based): chr2:165,131,262, T>G on the plus strand (A>C on the coding strand, the complement: SCN3A is on the minus strand). VCF-style: chr2-165131262-T-G. GRCh37 (hg19) VCF-style: chr2-165987772-T-G.
Other names: p.Val849=; c.2400A>C, p.Val800= (NM_001081676.2, NM_001081677.2).
Identifiers: ClinVar variation 167650 (VCV000167650.18), dbSNP rs62174900, ClinGen allele CA214546.